The following is an entry in ClinVar:

NM_000414.4(HSD17B4):c.714G>A (p.Glu238=)

Gene: HSD17B4 (hydroxysteroid 17-beta dehydrogenase 4; plus strand). Cytogenetic location: 5q23.1.
Variant type: single nucleotide variant.
Coding change: c.714G>A on transcript NM_000414.4 (MANE Select); coding-DNA position 714, G replaced by A.
Protein change: p.Glu238=; no amino-acid change (glutamic acid 238 retained).
Molecular consequence: synonymous variant. On other transcripts: non-coding transcript variant (2).
Genome position (GRCh38, 1-based): chr5:119,489,283, G>A. VCF-style: chr5-119489283-G-A. GRCh37 (hg19) VCF-style: chr5-118824978-G-A.
Other names: c.789G>A, p.Glu263= (NM_001199291.3); c.660G>A, p.Glu220= (NM_001199292.2); c.642G>A, p.Glu214= (NM_001292027.2); c.294G>A, p.Glu98= (NM_001292028.2); c.705G>A, p.Glu235= (NM_001374497.1); c.714G>A, p.Glu238= (NM_001374498.1); c.387G>A, p.Glu129= (NM_001374499.1); c.273G>A, p.Glu91= (NM_001374500.1); and 1 more.
Identifiers: ClinVar variation 4688332 (VCV004688332.1).
Genomic context (GRCh38, chr5:119,489,283, plus strand): 5'-GGCACCTCTTGTCCTTTGGCTTTGTCACGAGAGTTGTGAGGAGAATGGTGGCTTGTTTGA[G>A]GTATTTGCACCTTCCTGTTTTCTCTTATTAGTTTTCTCCAGTTGCTTACATTTGTAAAAA-3'
Protein context (NP_000405.1, residues 228-248): ESCEENGGLF[Glu238=]VGAGWIGKLR

ClinVar aggregate classification (germline): Uncertain significance (1 of 4 stars; one submission).

Submission:

Women's Health and Genetics/Laboratory Corporation of America, LabCorp
Classification: Uncertain significance. Last evaluated: 2025-12-12. Review status: criteria provided, single submitter. Criteria: LabCorp Variant Classification Summary - May 2015. Collection method: clinical testing. Allele origin: germline.
Comment: Variant summary: HSD17B4 c.714G>A (p.Glu238Glu) alters a conserved nucleotide located close to a canonical splice site and therefore could affect mRNA splicing, leading to a significantly altered protein sequence. Several computational tools predict a significant impact on normal splicing: Three predict the variant abolishes a canonical 5' splicing donor site and one predicts the variant weakens this site. However, these predictions have yet to be confirmed by functional studies. The variant was absent in 251108 control chromosomes (gnomAD). The available data on variant occurrences in the general population are insufficient to allow any conclusion about variant significance. To our knowledge, no occurrence of c.714G>A in individuals affected with HSD17B4-related conditions and no experimental evidence demonstrating its impact on protein function have been reported. No submitters have cited clinical-significance assessments for this variant to ClinVar. Based on the evidence outlined above, the variant was classified as uncertain significance.